The following is an entry in ClinVar:

NM_001130004.2(ACTN1):c.2671G>T (p.Gly891Cys)

Gene: ACTN1 (actinin alpha 1; minus strand). Cytogenetic location: 14q24.1.
Variant type: single nucleotide variant.
Coding change: c.2671G>T on transcript NM_001130004.2 (MANE Select); coding-DNA position 2671, G replaced by T.
Protein change: p.Gly891Cys; replaces glycine 891 with cysteine.
Molecular consequence: missense variant.
Genome position (GRCh38, 1-based): chr14:68,874,933, C>A on the plus strand (G>T on the coding strand, the complement: ACTN1 is on the minus strand). VCF-style: chr14-68874933-C-A. GRCh37 (hg19) VCF-style: chr14-69341650-C-A.
Other names: c.2605G>T, p.Gly869Cys (NM_001102.4); c.2590G>T, p.Gly864Cys (NM_001130005.2); c.2614G>T, p.Gly872Cys (NM_001411035.1); c.2410G>T, p.Gly804Cys (NM_001411036.1); short protein forms G869C, G891C, G804C, G864C, G872C.
Identifiers: ClinVar variation 2071086 (VCV002071086.4), dbSNP rs147023729, ClinGen allele CA7241877.

ClinVar aggregate classification (germline): Uncertain significance (1 of 4 stars; one submission).

Allele frequency attached by ClinVar (database versions not stated): gnomAD 0.00013; ESP Exome Variant Server 0.00015; TOPMed 0.00021.
gnomAD v4.1: 257 of 1,612,368 alleles (0.016%); highest among the groups gnomAD compares: Non-Finnish European, 0.021%; no homozygotes.

Submission:

Labcorp Genetics (formerly Invitae), Labcorp
Classification: Uncertain significance. Last evaluated: 2026-01-27. Review status: criteria provided, single submitter. Criteria: Invitae Variant Classification Sherloc (09022015). Collection method: clinical testing. Allele origin: germline.
Comment: This sequence change replaces glycine, which is neutral and non-polar, with cysteine, which is neutral and slightly polar, at codon 891 of the ACTN1 protein (p.Gly891Cys). This variant is present in population databases (rs147023729, gnomAD 0.04%), and has an allele count higher than expected for a pathogenic variant. This variant has not been reported in the literature in individuals affected with ACTN1-related conditions. ClinVar contains an entry for this variant (Variation ID: 2071086). An algorithm developed to predict the effect of missense changes on protein structure and function (PolyPhen-2) suggests that this variant is likely to be disruptive. In summary, the available evidence is currently insufficient to determine the role of this variant in disease. Therefore, it has been classified as a Variant of Uncertain Significance.